The following is an entry in ClinVar:

NM_022095.4(ZNF335):c.3433_3444del (p.1141PTQT[1])

Gene: ZNF335 (zinc finger protein 335; minus strand). Cytogenetic location: 20q13.12.
Variant type: Deletion.
Coding change: c.3433_3444del on transcript NM_022095.4 (MANE Select); coding-DNA positions 3433 to 3444, 12 bases deleted (CCAACCCAGACC).
Protein change: p.1141PTQT[1].
Molecular consequence: inframe deletion.
Genome position (GRCh38, 1-based): chr20:45,950,262-45,950,273, GGTCTGGGTTGG deleted on the plus strand (CCAACCCAGACC on the coding strand, the reverse complement: ZNF335 is on the minus strand); deleting any 12 consecutive bases within chr20:45,950,262-45,950,282 gives the same sequence; the c. name uses the placement nearest the transcript's 3' end. VCF-style (leftmost placement, unchanged base first): chr20-45950261-TGGTCTGGGTTGG-T. GRCh37 (hg19) VCF-style: chr20-44578900-TGGTCTGGGTTGG-T.
Identifiers: ClinVar variation 2198439 (VCV002198439.2), dbSNP rs755036128, ClinGen allele CA9885034.
Genomic context (GRCh38, chr20:45,950,261, plus strand): 5'-GCCCCAGGGGCAGCTCACTGTGCAGGGTGGCCAGTGTTTCGTCATCACTGTTCAGGATGA[TGGTCTGGGTTGG>T]GGTCTGGGTAGGGGCCCGGGCTGTAGGGGTTCCTGACTTCCTCCCATCAGGACTGTGCAG-3'

ClinVar aggregate classification (germline): Uncertain significance (1 of 4 stars; one submission).

Submission:

Labcorp Genetics (formerly Invitae), Labcorp
Classification: Uncertain significance. Last evaluated: 2022-09-27. Review status: criteria provided, single submitter. Criteria: Invitae Variant Classification Sherloc (09022015). Collection method: clinical testing. Allele origin: germline.
Comment: In summary, the available evidence is currently insufficient to determine the role of this variant in disease. Therefore, it has been classified as a Variant of Uncertain Significance. Experimental studies and prediction algorithms are not available or were not evaluated, and the functional significance of this variant is currently unknown. This variant has not been reported in the literature in individuals affected with ZNF335-related conditions. This variant is present in population databases (rs755036128, gnomAD 0.05%). This variant, c.3433_3444del, results in the deletion of 4 amino acid(s) of the ZNF335 protein (p.Pro1145_Thr1148del), but otherwise preserves the integrity of the reading frame.